The following is an entry in ClinVar:

ClinVar aggregate classification (germline): Likely benign. Review status: criteria provided, single submitter (1 of 4 stars). 2 submissions from 2 submitters: Likely benign (1). 1 of the submissions does not count toward it. Last evaluated 2021-05-22.

Conditions:
PIGA-related disorder. Also called: PIGA-related condition.
Multiple congenital anomalies-hypotonia-seizures syndrome 2 (MCAHS2). Also called: EPILEPTIC ENCEPHALOPATHY, EARLY INFANTILE, 20; GLYCOSYLPHOSPHATIDYLINOSITOL BIOSYNTHESIS DEFECT 4. Identifiers: Orphanet 300496, MedGen C3275508, MONDO:0010466, OMIM 300868.

Allele frequency attached by ClinVar (database versions not stated): gnomAD exomes below 0.00001; TOPMed 0.00001.
gnomAD v4.1: 2 of 1,204,896 alleles (0.00017%); highest among the groups gnomAD compares: East Asian, 0.003%; no homozygotes.

Submissions (2):

Labcorp Genetics (formerly Invitae), Labcorp
Classification: Likely benign for Multiple congenital anomalies-hypotonia-seizures syndrome 2. Last evaluated: 2021-05-22. Review status: criteria provided, single submitter. Criteria: Invitae Variant Classification Sherloc (09022015). Collection method: clinical testing. Allele origin: germline.

PreventionGenetics, part of Exact Sciences
Classification: Likely benign for PIGA-related condition. Last evaluated: 2020-12-31. Review status: no assertion criteria provided. Collection method: clinical testing. Allele origin: germline. Not counted in ClinVar's aggregate classification.
Comment: This variant is classified as likely benign based on ACMG/AMP sequence variant interpretation guidelines (Richards et al. 2015 PMID: 25741868, with internal and published modifications).

NM_002641.4(PIGA):c.954C>T (p.Ile318=)

Gene: PIGA (phosphatidylinositol glycan anchor biosynthesis class A; minus strand). Cytogenetic location: Xp22.2.
Variant type: single nucleotide variant.
Coding change: c.954C>T on transcript NM_002641.4 (MANE Select); coding-DNA position 954, C replaced by T.
Protein change: p.Ile318=; no amino-acid change (isoleucine 318 retained).
Molecular consequence: synonymous variant. On other transcripts: non-coding transcript variant (2).
Genome position (GRCh38, 1-based): chrX:15,325,047, G>A on the plus strand (C>T on the coding strand, the complement: PIGA is on the minus strand). VCF-style: chrX-15325047-G-A. GRCh37 (hg19) VCF-style: chrX-15343169-G-A.
Other names: c.252C>T, p.Ile84= (NM_020473.3).
Identifiers: ClinVar variation 796487 (VCV000796487.10), dbSNP rs1353341156, ClinGen allele CA515624184.